The following is an entry in ClinVar:

NM_000900.5(MGP):c.304A>G (p.Thr102Ala)

Gene: MGP (matrix Gla protein; minus strand). Cytogenetic location: 12p12.3.
Variant type: single nucleotide variant.
Coding change: c.304A>G on transcript NM_000900.5 (MANE Select); coding-DNA position 304, A replaced by G.
Protein change: p.Thr102Ala; replaces threonine 102 with alanine.
Molecular consequence: missense variant.
Genome position (GRCh38, 1-based): chr12:14,882,147, T>C on the plus strand (A>G on the coding strand, the complement: MGP is on the minus strand). VCF-style: chr12-14882147-T-C. GRCh37 (hg19) VCF-style: chr12-15035081-T-C.
Other names: c.379A>G, p.Thr127Ala (NM_001190839.3); short protein forms T127A, T102A.
Identifiers: ClinVar variation 284369 (VCV000284369.23), dbSNP rs4236, ClinGen allele CA6465115.

ClinVar aggregate classification (germline): Benign. Review status: criteria provided, multiple submitters, no conflicts (2 of 4 stars). 7 submissions from 7 submitters: Benign (7). Last evaluated 2026-02-04.

Conditions:
Keutel syndrome (KTLS). Identifiers: Orphanet 85202, MedGen C1855607, MONDO:0009495, OMIM 245150.

Allele frequency attached by ClinVar (database versions not stated): gnomAD exomes 0.37387 and 0.38660; ExAC 0.37996; 1000 Genomes Project 0.38538; 1000 Genomes Project 30x 0.39241; gnomAD 0.41412 and 0.41895; TOPMed 0.42279; ESP Exome Variant Server 0.43726.
gnomAD v4.1: 627,701 of 1,613,474 alleles (39%); highest among the groups gnomAD compares: African/African-American, 53%; 125,847 homozygotes.

Submissions (7):

Labcorp Genetics (formerly Invitae), Labcorp
Classification: Benign. Last evaluated: 2026-02-04. Review status: criteria provided, single submitter. Criteria: Invitae Variant Classification Sherloc (09022015). Collection method: clinical testing. Allele origin: germline.

Blueprint Genetics
Classification: Benign. Last evaluated: 2024-11-27. Review status: criteria provided, single submitter. Criteria: ACMG Guidelines, 2015. Collection method: clinical testing. Allele origin: germline.

Genome-Nilou Lab
Classification: Benign for Keutel syndrome. Last evaluated: 2021-09-05. Review status: criteria provided, single submitter. Criteria: ACMG Guidelines, 2015. Collection method: clinical testing. Allele origin: germline. Affected: no.

GeneDx
Classification: Benign. Last evaluated: 2018-11-08. Review status: criteria provided, single submitter. Criteria: GeneDx Variant Classification Process June 2021. Collection method: clinical testing. Allele origin: germline. Affected: yes.
Comment: This variant is associated with the following publications: (PMID: 30159058, 24281054, 11073842, 23046575)

Illumina Laboratory Services, Illumina
Classification: Benign for Keutel syndrome. Last evaluated: 2018-01-12. Review status: criteria provided, single submitter. Criteria: ICSL Variant Classification Criteria 13 December 2019. Collection method: clinical testing. Allele origin: germline.
Comment: This variant was observed in the ICSL laboratory as part of a predisposition screen in an ostensibly healthy population. It had not been previously curated by ICSL or reported in the Human Gene Mutation Database (HGMD: prior to June 1st, 2018), and was therefore a candidate for classification through an automated scoring system. Utilizing variant allele frequency, disease prevalence and penetrance estimates, and inheritance mode, an automated score was calculated to assess if this variant is too frequent to cause the disease. Based on the score and internal cut-off values, a variant classified as benign is not then subjected to further curation. The score for this variant resulted in a classification of benign for this disease.

Eurofins Ntd Llc (ga)
Classification: Benign. Last evaluated: 2015-11-09. Review status: criteria provided, single submitter. Criteria: EGL Classification Definitions 2015. Collection method: clinical testing. Allele origin: germline.

Breakthrough Genomics
Classification: Benign. Review status: criteria provided, single submitter. Criteria: ACMG Guidelines, 2015. Collection method: not provided. Allele origin: germline. Inheritance: Autosomal recessive inheritance. Affected: yes.